The following is an entry in ClinVar:

ClinVar aggregate classification (germline): Uncertain significance (1 of 4 stars; one submission).

Allele frequency attached by ClinVar (database versions not stated): gnomAD exomes below 0.00001.
gnomAD v4.1: 1 of 1,613,860 alleles (0.000062%); highest among the groups gnomAD compares: African/African-American, 0.0013%; no homozygotes.

Submission:

Ambry Genetics
Classification: Uncertain significance. Last evaluated: 2023-12-08. Review status: criteria provided, single submitter. Criteria: Ambry Variant Classification Scheme 2023. Collection method: clinical testing. Allele origin: germline.
Comment: The p.L2334P variant (also known as c.7001T>C), located in coding exon 25 of the POLQ gene, results from a T to C substitution at nucleotide position 7001. The leucine at codon 2334 is replaced by proline, an amino acid with similar properties. This amino acid position is conserved. In addition, this alteration is predicted to be deleterious by in silico analysis. Since supporting evidence is limited at this time, the clinical significance of this alteration remains unclear.

NM_199420.4(POLQ):c.7001T>C (p.Leu2334Pro)

Gene: POLQ (DNA polymerase theta; minus strand). Cytogenetic location: 3q13.33.
Variant type: single nucleotide variant.
Coding change: c.7001T>C on transcript NM_199420.4 (MANE Select); coding-DNA position 7001, T replaced by C.
Protein change: p.Leu2334Pro; replaces leucine 2334 with proline.
Molecular consequence: missense variant.
Genome position (GRCh38, 1-based): chr3:121,460,201, A>G on the plus strand (T>C on the coding strand, the complement: POLQ is on the minus strand). VCF-style: chr3-121460201-A-G. GRCh37 (hg19) VCF-style: chr3-121179048-A-G.
Other names: short protein forms L2334P.
Identifiers: ClinVar variation 3230131 (VCV003230131.1), dbSNP rs2546764856, ClinGen allele CA354107714.
Genomic context (GRCh38, chr3:121,460,201, plus strand): 5'-GTGTTTAACACTTGAATGAGACGACGATCATGGGATAAATGAGCCAAGATCCTCAGTTCA[A>G]GCTGAGAGTAGTCAGCAGCCAGTATTGAACCACCTGAAGTAGAAGTGATTTCAGAAAAGC-3'
Protein context (NP_955452.3, residues 2324-2344): GSILAADYSQ[Leu2334Pro]ELRILAHLSH